The following is an entry in ClinVar:

NM_000540.3(RYR1):c.6813G>A (p.Thr2271=)

Gene: RYR1 (ryanodine receptor 1; plus strand). Cytogenetic location: 19q13.2.
Variant type: single nucleotide variant.
Coding change: c.6813G>A on transcript NM_000540.3 (MANE Select); coding-DNA position 6813, G replaced by A.
Protein change: p.Thr2271=; no amino-acid change (threonine 2271 retained).
Molecular consequence: synonymous variant.
Genome position (GRCh38, 1-based): chr19:38,496,876, G>A. VCF-style: chr19-38496876-G-A. GRCh37 (hg19) VCF-style: chr19-38987516-G-A.
Other names: c.6813G>A (NM_000540.2); c.6813G>A, p.Thr2271= (NM_001042723.2).
Identifiers: ClinVar variation 808552 (VCV000808552.52), dbSNP rs147786842, ClinGen allele CA068778.

ClinVar aggregate classification (germline): Likely benign. Review status: criteria provided, multiple submitters, no conflicts (2 of 4 stars). 5 submissions from 5 submitters: Likely benign (4). 1 of the submissions does not count toward it. Last evaluated 2026-08-01.

Conditions:
RYR1-related disorder. Also called: RYR1-related disorders; RYR1-related condition. Identifiers: MedGen CN239331.
Malignant hyperthermia, susceptibility to, 1 (MHS1). Also called: RYR1-Related Malignant Hyperthermia Susceptibility; Malignant hyperthermia suceptibility 1; Anesthesia related hyperthermia; Malignant hyperpyrexia; Fulminating hyperpyrexia; Pharmacogenic myopathy. Identifiers: Orphanet 423, MedGen C2930980, MONDO:0007783, OMIM 145600.

Allele frequency attached by ClinVar (database versions not stated): gnomAD 0.00003 and 0.00005; TOPMed 0.00004; gnomAD exomes 0.00006 and 0.00011; ExAC 0.00012; 1000 Genomes Project 30x 0.00031; 1000 Genomes Project 0.00040.
gnomAD v4.1: 100 of 1,613,482 alleles (0.0062%); highest among the groups gnomAD compares: South Asian, 0.065%; no homozygotes.

Submissions (5):

CeGaT Center for Human Genetics Tuebingen
Classification: Likely benign. Last evaluated: 2026-08-01. Review status: criteria provided, single submitter. Criteria: CeGaT Center For Human Genetics Tuebingen Variant Classification Criteria Version 2. Collection method: clinical testing. Allele origin: germline. Affected: yes. Observed: 3 variant alleles.
Comment: RYR1: BP4, BP7

Labcorp Genetics (formerly Invitae), Labcorp
Classification: Likely benign for RYR1-related disorder. Last evaluated: 2025-11-25. Review status: criteria provided, single submitter. Criteria: Invitae Variant Classification Sherloc (09022015). Collection method: clinical testing. Allele origin: germline.

All of Us Research Program, National Institutes of Health
Classification: Likely benign for Malignant hyperthermia, susceptibility to, 1. Last evaluated: 2024-02-05. Review status: criteria provided, single submitter. Criteria: ACMG Guidelines, 2015. Collection method: clinical testing. Allele origin: germline. Inheritance: Autosomal dominant inheritance. Observed: 12 variant alleles, 12 heterozygotes.
Comment: This study involves interpretation of variants in research participants for the purpose of population health screening. Participant phenotype was not available at the time of variant classification. Additional details can be found in publication PMID: 35346344, PMCID: PMC8962531

Color Diagnostics, LLC DBA Color Health
Classification: Likely benign for Malignant hyperthermia, susceptibility to, 1. Last evaluated: 2022-11-06. Review status: criteria provided, single submitter. Criteria: ACMG Guidelines, 2015. Collection method: clinical testing. Allele origin: germline.

PreventionGenetics, part of Exact Sciences
Classification: Likely benign for RYR1-related condition. Last evaluated: 2019-11-04. Review status: no assertion criteria provided. Collection method: clinical testing. Allele origin: germline. Not counted in ClinVar's aggregate classification.
Comment: This variant is classified as likely benign based on ACMG/AMP sequence variant interpretation guidelines (Richards et al. 2015 PMID: 25741868, with internal and published modifications).